The following is an entry in ClinVar:

NM_001111125.3(IQSEC2):c.3970G>A (p.Ala1324Thr)

Gene: IQSEC2 (IQ motif and Sec7 domain ArfGEF 2; minus strand). Cytogenetic location: Xp11.22.
Variant type: single nucleotide variant.
Coding change: c.3970G>A on transcript NM_001111125.3 (MANE Select); coding-DNA position 3970, G replaced by A.
Protein change: p.Ala1324Thr; replaces alanine 1324 with threonine.
Molecular consequence: missense variant. On other transcripts: 3 prime UTR variant (1).
Genome position (GRCh38, 1-based): chrX:53,234,716, C>T on the plus strand (G>A on the coding strand, the complement: IQSEC2 is on the minus strand). VCF-style: chrX-53234716-C-T. GRCh37 (hg19) VCF-style: chrX-53263898-C-T.
Other names: c.*455G>A (NM_015075.2); short protein forms A1324T.
Identifiers: ClinVar variation 384373 (VCV000384373.11), dbSNP rs1057521942, ClinGen allele CA16608885.

ClinVar aggregate classification (germline): Conflicting classifications of pathogenicity. Review status: criteria provided, conflicting classifications (1 of 4 stars). 3 submissions from 3 submitters: Uncertain significance (1); Likely benign (2). Last evaluated 2026-01-12.

Conditions:
Intellectual developmental disorder, X-linked 1. Also called: Intellectual disability, X-linked 1; Atkin Flaitz Patil Smith syndrome; MENTAL RETARDATION, X-LINKED 18; MENTAL RETARDATION, X-LINKED 78. Identifiers: Orphanet 777, MedGen C2931498, MONDO:0010656, OMIM 309530.

Allele frequency attached by ClinVar (database versions not stated): TOPMed 0.00002; gnomAD 0.00003; gnomAD exomes 0.00004 and 0.00009.
gnomAD v4.1: 94 of 1,111,501 alleles (0.0085%); highest among the groups gnomAD compares: Non-Finnish European, 0.01%; no homozygotes.

Submissions (3):

Labcorp Genetics (formerly Invitae), Labcorp
Classification: Likely benign for Intellectual developmental disorder, X-linked 1. Last evaluated: 2026-01-12. Review status: criteria provided, single submitter. Criteria: Invitae Variant Classification Sherloc (09022015). Collection method: clinical testing. Allele origin: germline.

Blueprint Genetics
Classification: Uncertain significance. Last evaluated: 2023-05-26. Review status: criteria provided, single submitter. Criteria: ACMG Guidelines, 2015. Collection method: clinical testing. Allele origin: germline.

GeneDx
Classification: Likely benign. Last evaluated: 2017-06-01. Review status: criteria provided, single submitter. Criteria: GeneDx Variant Classification (06012015). Collection method: clinical testing. Allele origin: germline. Affected: yes.
Comment: This variant is considered likely benign or benign based on one or more of the following criteria: it is a conservative change, it occurs at a poorly conserved position in the protein, it is predicted to be benign by multiple in silico algorithms, and/or has population frequency not consistent with disease.